The following is an entry in ClinVar:

ClinVar aggregate classification (germline): Uncertain significance (1 of 4 stars; one submission).

Conditions:
Epilepsy, idiopathic generalized, susceptibility to, 15 (EIG15). Identifiers: MedGen C5193050, MONDO:0032699, OMIM 618357.

Submission:

Rady Children's Institute for Genomic Medicine, Rady Children's Hospital San Diego
Classification: Uncertain significance for EPILEPSY, IDIOPATHIC GENERALIZED, SUSCEPTIBILITY TO, 15. Review status: criteria provided, single submitter. Criteria: ACMG Guidelines, 2015. Collection method: clinical testing. Allele origin: germline. Affected: yes. Study: CSER-NYCKidSeq.
Comment: This variant has not been previously reported or functionally characterized in the literature to our knowledge. It is absent from the gnomAD population database and thus is presumed to be rare. In silico tools used to predict the effect of this variant on protein function yield discordant results. The RORB gene is highly constrained (Z-score= 3.08 and pLI = 1), which suggests it is intolerant to variation; however, mechanism of disease has not yet been determined. Based on the available evidence, the c.853G>A (p.Glu285Lys) variant is classified as Variant of Uncertain Significance.

NM_006914.4(RORB):c.853G>A (p.Glu285Lys)

Gene: RORB (RAR related orphan receptor B; plus strand). Cytogenetic location: 9q21.13.
Variant type: single nucleotide variant.
Coding change: c.853G>A on transcript NM_006914.4 (MANE Select); coding-DNA position 853, G replaced by A.
Protein change: p.Glu285Lys; replaces glutamic acid 285 with lysine.
Molecular consequence: missense variant.
Genome position (GRCh38, 1-based): chr9:74,662,567, G>A. VCF-style: chr9-74662567-G-A. GRCh37 (hg19) VCF-style: chr9-77277483-G-A.
Other names: c.886G>A, p.Glu296Lys (NM_001365023.1); short protein forms E285K, E296K.
Identifiers: ClinVar variation 1301876 (VCV001301876.1), dbSNP rs1563967871, ClinGen allele CA373770858.